The following is an entry in ClinVar:

ClinVar aggregate classification (germline): Uncertain significance. Review status: criteria provided, multiple submitters, no conflicts (2 of 4 stars). 3 submissions from 3 submitters: Uncertain significance (3). Last evaluated 2025-06-01.

Conditions:
Charcot-Marie-Tooth disease type 2. Also called: Charcot-Marie-Tooth type 2. Identifiers: Orphanet 64746, MedGen C0270914, MONDO:0018993.

Allele frequency attached by ClinVar (database versions not stated): gnomAD exomes below 0.00001 and 0.00001; ExAC 0.00001.
gnomAD v4.1: 2 of 1,613,886 alleles (0.00012%); highest among the groups gnomAD compares: Non-Finnish European, 0.00017%; no homozygotes.

Submissions (3):

Labcorp Genetics (formerly Invitae), Labcorp
Classification: Uncertain significance for Charcot-Marie-Tooth disease type 2. Last evaluated: 2025-06-01. Review status: criteria provided, single submitter. Criteria: Invitae Variant Classification Sherloc (09022015). Collection method: clinical testing. Allele origin: germline.
Comment: This sequence change replaces asparagine, which is neutral and polar, with serine, which is neutral and polar, at codon 331 of the KIF1B protein (p.Asn331Ser). This variant is present in population databases (rs759806939, gnomAD 0.002%). This variant has not been reported in the literature in individuals affected with KIF1B-related conditions. ClinVar contains an entry for this variant (Variation ID: 806053). Invitae Evidence Modeling of protein sequence and biophysical properties (such as structural, functional, and spatial information, amino acid conservation, physicochemical variation, residue mobility, and thermodynamic stability) has been performed for this missense variant. However, the output from this modeling did not meet the statistical confidence thresholds required to predict the impact of this variant on KIF1B protein function. In summary, the available evidence is currently insufficient to determine the role of this variant in disease. Therefore, it has been classified as a Variant of Uncertain Significance.

Ambry Genetics
Classification: Uncertain significance. Last evaluated: 2024-12-04. Review status: criteria provided, single submitter. Criteria: Ambry Variant Classification Scheme 2023. Collection method: clinical testing. Allele origin: germline.
Comment: The p.N331S variant (also known as c.992A>G), located in coding exon 10 of the KIF1B gene, results from an A to G substitution at nucleotide position 992. The asparagine at codon 331 is replaced by serine, an amino acid with highly similar properties. This amino acid position is highly conserved in available vertebrate species. In addition, the in silico prediction for this alteration is inconclusive. The evidence for this gene-disease relationship is limited; therefore, the clinical significance of this alteration is unclear.

CeGaT Center for Human Genetics Tuebingen
Classification: Uncertain significance. Last evaluated: 2018-10-01. Review status: criteria provided, single submitter. Criteria: CeGaT Center For Human Genetics Tuebingen Variant Classification Criteria Version 2. Collection method: clinical testing. Allele origin: germline. Affected: yes. Observed: 2 variant alleles.

NM_001365951.3(KIF1B):c.1010A>G (p.Asn337Ser)

Gene: KIF1B (kinesin family member 1B; plus strand). Cytogenetic location: 1p36.22.
Variant type: single nucleotide variant.
Coding change: c.1010A>G on transcript NM_001365951.3 (MANE Select); coding-DNA position 1010, A replaced by G.
Protein change: p.Asn337Ser; replaces asparagine 337 with serine.
Molecular consequence: missense variant.
Genome position (GRCh38, 1-based): chr1:10,276,372, A>G. VCF-style: chr1-10276372-A-G. GRCh37 (hg19) VCF-style: chr1-10336430-A-G.
Other names: c.1010A>G, p.Asn337Ser (NM_001365952.1); c.992A>G, p.Asn331Ser (NM_001365953.1, NM_015074.3, NM_183416.4); short protein forms N337S, N331S.
Identifiers: ClinVar variation 806053 (VCV000806053.44), dbSNP rs759806939, ClinGen allele CA580865.